The following is an entry in ClinVar:

ClinVar aggregate classification (germline): Uncertain significance (1 of 4 stars; one submission).

Conditions:
Atypical hemolytic-uremic syndrome. Identifiers: Orphanet 2134, MedGen C2931788, MONDO:0016244.

Submission:

Genomenon, Inc
Classification: Uncertain significance for Atypical hemolytic-uremic syndrome. Last evaluated: 2025-10-02. Review status: criteria provided, single submitter. Criteria: Genomenon Sequence Variant Interpretation Standards - Updated. Collection method: curation. Allele origin: germline. Affected: yes.
Comment: CFH p.Thr1184Ala (c.3550A>G) is a missense variant that changes the amino acid at residue 1184 from Threonine to Alanine. This variant has been observed in at least one proband affected with atypical hemolytic-uremic syndrome (PMID:23431077). Functional studies have been reported (PMID:34189567). It is absent or not present at a significant frequency in gnomAD. In conclusion, we classify CFH p.Thr1184Ala (c.3550A>G) as a variant of uncertain significance.

Literature cited by the submitters: PubMed 23431077; PubMed 34189567.

NM_000186.4(CFH):c.3550A>G (p.Thr1184Ala)

Gene: CFH (complement factor H; plus strand). Cytogenetic location: 1q31.3.
Variant type: single nucleotide variant.
Coding change: c.3550A>G on transcript NM_000186.4 (MANE Select); coding-DNA position 3550, A replaced by G.
Protein change: p.Thr1184Ala; replaces threonine 1184 with alanine.
Molecular consequence: missense variant.
Genome position (GRCh38, 1-based): chr1:196,747,167, A>G. VCF-style: chr1-196747167-A-G. GRCh37 (hg19) VCF-style: chr1-196716297-A-G.
Other names: short protein forms T1184A.
Identifiers: ClinVar variation 4291602 (VCV004291602.1).